The following is an entry in ClinVar:

ClinVar aggregate classification (germline): Uncertain significance. Review status: criteria provided, multiple submitters, no conflicts (2 of 4 stars). 2 submissions from 2 submitters: Uncertain significance (2). Last evaluated 2024-10-28.

Allele frequency attached by ClinVar (database versions not stated): gnomAD exomes below 0.00001; TOPMed below 0.00001.

Submissions (2):

Labcorp Genetics (formerly Invitae), Labcorp
Classification: Uncertain significance. Last evaluated: 2024-10-28. Review status: criteria provided, single submitter. Criteria: Invitae Variant Classification Sherloc (09022015). Collection method: clinical testing. Allele origin: germline.
Comment: This sequence change replaces methionine, which is neutral and non-polar, with threonine, which is neutral and polar, at codon 198 of the ERBB2 protein (p.Met198Thr). This variant is not present in population databases (gnomAD no frequency). This variant has not been reported in the literature in individuals affected with ERBB2-related conditions. ClinVar contains an entry for this variant (Variation ID: 835653). Invitae Evidence Modeling of protein sequence and biophysical properties (such as structural, functional, and spatial information, amino acid conservation, physicochemical variation, residue mobility, and thermodynamic stability) indicates that this missense variant is not expected to disrupt ERBB2 protein function with a negative predictive value of 80%. In summary, the available evidence is currently insufficient to determine the role of this variant in disease. Therefore, it has been classified as a Variant of Uncertain Significance.

Ambry Genetics
Classification: Uncertain significance. Last evaluated: 2024-05-29. Review status: criteria provided, single submitter. Criteria: Ambry Variant Classification Scheme 2023. Collection method: clinical testing. Allele origin: germline.

NM_004448.4(ERBB2):c.593T>C (p.Met198Thr)

Gene: ERBB2 (erb-b2 receptor tyrosine kinase 2; plus strand). Cytogenetic location: 17q12.
Variant type: single nucleotide variant.
Coding change: c.593T>C on transcript NM_004448.4 (MANE Select); coding-DNA position 593, T replaced by C.
Protein change: p.Met198Thr; replaces methionine 198 with threonine.
Molecular consequence: missense variant. On other transcripts: non-coding transcript variant (1), intron variant (2).
Genome position (GRCh38, 1-based): chr17:39,709,831, T>C. VCF-style: chr17-39709831-T-C. GRCh37 (hg19) VCF-style: chr17-37866084-T-C.
Other names: c.593T>C (NM_004448.2); c.503T>C, p.Met168Thr (NM_001005862.3, NM_001289938.2, NM_001382782.1 and 1 more transcripts); c.548T>C, p.Met183Thr (NM_001289936.2); c.593T>C, p.Met198Thr (NM_001289937.2, NM_001382784.1, NM_001382785.1 and 17 more transcripts); c.668T>C, p.Met223Thr (NM_001382787.1); c.584T>C, p.Met195Thr (NM_001382791.1); c.440-27T>C (NM_001382799.1); c.74-2097T>C (NM_001382804.1); short protein forms M198T, M183T, M168T, M195T, M223T.
Identifiers: ClinVar variation 835653 (VCV000835653.10), dbSNP rs908142099, ClinGen allele CA290423904.